The following is an entry in ClinVar:

NM_003072.5(SMARCA4):c.2005G>A (p.Glu669Lys)

Gene: SMARCA4 (SWI/SNF related BAF chromatin remodeling complex subunit ATPase 4; plus strand). Cytogenetic location: 19p13.2.
Variant type: single nucleotide variant.
Coding change: c.2005G>A on transcript NM_003072.5 (MANE Select); coding-DNA position 2005, G replaced by A.
Protein change: p.Glu669Lys; replaces glutamic acid 669 with lysine.
Molecular consequence: missense variant. On other transcripts: non-coding transcript variant (1).
Genome position (GRCh38, 1-based): chr19:11,007,905, G>A. VCF-style: chr19-11007905-G-A. GRCh37 (hg19) VCF-style: chr19-11118581-G-A.
Other names: c.2005G>A, p.Glu669Lys (NM_001128844.3, NM_001128845.2, NM_001128846.2 and 6 more transcripts); short protein forms E669K.
Identifiers: ClinVar variation 2447208 (VCV002447208.2), dbSNP rs1600167323, ClinGen allele CA404052366.
Genomic context (GRCh38, chr19:11,007,905, plus strand): 5'-TCCCGTCCCCCCTCTCTGGGGGATGAACTGAGGTGACATGGGCTTGTCTCTTGGTAGGAG[G>A]AGGAGGAAGAGCAGCCGCAGGCAGCACAGCCTCCCACCCTGCCCGTGGAGGAGAAGAAGA-3'
Protein context (NP_003063.2, residues 659-679): ESGSEEEEEE[Glu669Lys]EEEQPQAAQP

ClinVar aggregate classification (germline): Uncertain significance (1 of 4 stars; one submission).

Conditions:
Hereditary cancer-predisposing syndrome. Also called: Neoplastic Syndromes, Hereditary; Hereditary Cancer Syndrome; Tumor predisposition; Hereditary neoplastic syndrome. Identifiers: Orphanet 140162, MedGen C0027672, MeSH D009386, MONDO:0015356.

Submission:

Ambry Genetics
Classification: Uncertain significance for Hereditary cancer-predisposing syndrome. Last evaluated: 2024-01-18. Review status: criteria provided, single submitter. Criteria: Ambry Variant Classification Scheme 2023. Collection method: clinical testing. Allele origin: germline.
Comment: The p.E669K variant (also known as c.2005G>A), located in coding exon 13 of the SMARCA4 gene, results from a G to A substitution at nucleotide position 2005. The glutamic acid at codon 669 is replaced by lysine, an amino acid with similar properties. This amino acid position is well conserved in available vertebrate species. In addition, this alteration is predicted to be tolerated by in silico analysis. Missense and in-frame variants in SMARCA4 are known to cause neurodevelopmental disorders; however, such associations with rhabdoid tumor predisposition syndrome including small cell carcinoma of the ovary-hypercalcemic type (SCCOHT) are exceedingly rare (Kosho T et al. Am J Med Genet C Semin Med Genet. 2014 Sep;166C(3):262-75; Jelinic P et al. Nat Genet. 2014 May;46(5):424-6). Since supporting evidence is limited at this time, the clinical significance of this alteration remains unclear.